The following is an entry in ClinVar:

ClinVar aggregate classification (germline): Uncertain significance (1 of 4 stars; one submission).

Submission:

Labcorp Genetics (formerly Invitae), Labcorp
Classification: Uncertain significance. Last evaluated: 2024-12-09. Review status: criteria provided, single submitter. Criteria: Invitae Variant Classification Sherloc (09022015). Collection method: clinical testing. Allele origin: germline.
Comment: This sequence change replaces arginine, which is basic and polar, with serine, which is neutral and polar, at codon 3325 of the CDH23 protein (p.Arg3325Ser). This variant is not present in population databases (gnomAD no frequency). This variant has not been reported in the literature in individuals affected with CDH23-related conditions. ClinVar contains an entry for this variant (Variation ID: 1380038). Invitae Evidence Modeling of protein sequence and biophysical properties (such as structural, functional, and spatial information, amino acid conservation, physicochemical variation, residue mobility, and thermodynamic stability) has been performed for this missense variant. However, the output from this modeling did not meet the statistical confidence thresholds required to predict the impact of this variant on CDH23 protein function. In summary, the available evidence is currently insufficient to determine the role of this variant in disease. Therefore, it has been classified as a Variant of Uncertain Significance.

NM_022124.6(CDH23):c.9973C>A (p.Arg3325Ser)

Gene: CDH23 (cadherin related 23; plus strand). Cytogenetic location: 10q22.1.
Variant type: single nucleotide variant.
Coding change: c.9973C>A on transcript NM_022124.6 (MANE Select); coding-DNA position 9973, C replaced by A.
Protein change: p.Arg3325Ser; replaces arginine 3325 with serine.
Molecular consequence: missense variant.
Genome position (GRCh38, 1-based): chr10:71,815,186, C>A. VCF-style: chr10-71815186-C-A. GRCh37 (hg19) VCF-style: chr10-73574943-C-A.
Other names: c.3253C>A, p.Arg1085Ser (NM_001171933.1); c.3148C>A, p.Arg1050Ser (NM_001171934.1); c.664C>A, p.Arg222Ser (NM_001171935.1); c.559C>A, p.Arg187Ser (NM_001171936.1); short protein forms R187S, R1050S, R1085S, R222S, R3325S.
Identifiers: ClinVar variation 1380038 (VCV001380038.7), dbSNP rs766510687, ClinGen allele CA377138844.